The following is an entry in ClinVar:

NM_001379291.1(BRD4):c.2047+55C>G

Gene: BRD4 (bromodomain containing 4; minus strand). Cytogenetic location: 19p13.12.
Variant type: single nucleotide variant.
Coding change: c.2047+55C>G on transcript NM_001379291.1 (MANE Select); 55 bases into the intron after coding-DNA position 2047, C replaced by G.
Molecular consequence: intron variant.
Genome position (GRCh38, 1-based): chr19:15,255,242, G>C on the plus strand (C>G on the coding strand, the complement: BRD4 is on the minus strand). VCF-style: chr19-15255242-G-C. GRCh37 (hg19) VCF-style: chr19-15366053-G-C.
Other names: c.2047+55C>G (NM_058243.3, NM_001379292.1, NM_014299.3 and 1 more transcripts).
Identifiers: ClinVar variation 3992976 (VCV003992976.1).

ClinVar aggregate classification (germline): Uncertain significance (1 of 4 stars; one submission).

Conditions:
Inborn genetic diseases. Identifiers: MedGen C0950123, MeSH D030342.

Submission:

Ambry Genetics
Classification: Uncertain significance for Inborn genetic diseases. Last evaluated: 2025-04-22. Review status: criteria provided, single submitter. Criteria: Ambry Variant Classification Scheme 2023. Collection method: clinical testing. Allele origin: germline.
Comment: The c.2047+55C>G intronic alteration results from a C to G substitution 55 nucleotides after coding exon 9 of the BRD4 gene. This variant was not reported in population-based cohorts in the Genome Aggregation Database (gnomAD); however, this position was not well covered. This nucleotide position is not well conserved in available vertebrate species. In silico splice site analysis predicts that this alteration will result in the creation or strengthening of a novel splice donor site. Based on insufficient or conflicting evidence, the clinical significance of this alteration remains unclear.